The following is an entry in ClinVar:

ClinVar aggregate classification (germline): Likely benign (0 of 4 stars; one submission).

Submission:

Medicover Genetics GmbH, Medicover Humangenetik Berlin-Lichtenberg MVZ
Classification: Likely benign. Last evaluated: 2023-06-26. Review status: no assertion criteria provided. Collection method: clinical testing. Allele origin: unknown. Affected: yes. Observed: 1 heterozygote.
Comment: - proximal Breakpoint is in PRDM16 - result after optical genome mapping: Tandemduplication - gene disruption is unlikely - clinical significance of the duplication rather improbable

Literature cited by the submitters: PubMed 32015502.

GRCh37/hg19 1p36.32(chr1:2582760-3177921)x3

Genes: ACTRT2 (actin related protein T2; plus strand), PRDM16 (PR/SET domain 16; plus strand), TTC34 (tetratricopeptide repeat domain 34; minus strand). Cytogenetic location: 1p36.32.
Variant type: copy number gain.
Change: copy number 3 (three copies instead of two) of chr1:2,582,760-3,177,921 (595.2 kb, GRCh37 coordinates, 1-based), cytogenetic band 1p36.32.
Identifiers: ClinVar variation 2506583 (VCV002506583.2).